The following is an entry in ClinVar:

ClinVar aggregate classification (germline): Benign/Likely benign. Review status: criteria provided, multiple submitters, no conflicts (2 of 4 stars). 6 submissions from 6 submitters: Benign (4); Likely benign (2). Last evaluated 2026-02-03.

Conditions:
Bardet-Biedl syndrome 9 (BBS9). Identifiers: Orphanet 110, MedGen C1859567, MONDO:0014437, OMIM 615986.
Bardet-Biedl syndrome (BBS). Identifiers: Orphanet 110, MedGen C0752166, MONDO:0015229.

Allele frequency attached by ClinVar (database versions not stated): gnomAD exomes 0.00492 and 0.01154; ExAC 0.01385; gnomAD 0.02834 and 0.02858; TOPMed 0.03128; ESP Exome Variant Server 0.03160; 1000 Genomes Project 30x 0.04966; 1000 Genomes Project 0.04972.
gnomAD v4.1: 11,760 of 1,613,828 alleles (0.73%); highest among the groups gnomAD compares: African/African-American, 9.7%; 452 homozygotes.

Submissions (6):

Labcorp Genetics (formerly Invitae), Labcorp
Classification: Benign for Bardet-Biedl syndrome. Last evaluated: 2026-02-03. Review status: criteria provided, single submitter. Criteria: Invitae Variant Classification Sherloc (09022015). Collection method: clinical testing. Allele origin: germline.

Mayo Clinic Laboratories, Mayo Clinic
Classification: Benign. Last evaluated: 2023-04-03. Review status: criteria provided, single submitter. Criteria: ACMG Guidelines, 2015. Collection method: clinical testing. Allele origin: germline. Observed: 5 variant alleles.

GeneDx
Classification: Benign. Last evaluated: 2021-06-10. Review status: criteria provided, single submitter. Criteria: GeneDx Variant Classification Process June 2021. Collection method: clinical testing. Allele origin: germline. Affected: yes.

Illumina Laboratory Services, Illumina
Classification: Likely benign for Bardet-Biedl syndrome 9. Last evaluated: 2017-04-27. Review status: criteria provided, single submitter. Criteria: ICSL Variant Classification Criteria 13 December 2019. Collection method: clinical testing. Allele origin: germline.
Comment: This variant was observed as part of a predisposition screen in an ostensibly healthy population. A literature search was performed for the gene, cDNA change, and amino acid change (where applicable). No publications were found based on this search. Allele frequency data from public databases allowed determination this variant is unlikely to cause disease. Therefore, this variant is classified as likely benign.

Breakthrough Genomics
Classification: Likely benign. Review status: criteria provided, single submitter. Criteria: ACMG Guidelines, 2015. Collection method: not provided. Allele origin: germline. Inheritance: Autosomal recessive inheritance. Affected: yes.

PreventionGenetics, part of Exact Sciences
Classification: Benign. Review status: criteria provided, single submitter. Criteria: ACMG Guidelines, 2015. Collection method: clinical testing. Allele origin: germline.

NM_198428.3(BBS9):c.1284C>T (p.Thr428=)

Gene: BBS9 (Bardet-Biedl syndrome 9; plus strand). Cytogenetic location: 7p14.3.
Variant type: single nucleotide variant.
Coding change: c.1284C>T on transcript NM_198428.3 (MANE Select); coding-DNA position 1284, C replaced by T.
Protein change: p.Thr428=; no amino-acid change (threonine 428 retained).
Molecular consequence: synonymous variant. On other transcripts: non-coding transcript variant (3).
Genome position (GRCh38, 1-based): chr7:33,344,589, C>T. VCF-style: chr7-33344589-C-T. GRCh37 (hg19) VCF-style: chr7-33384201-C-T.
Other names: p.Thr428=; c.1284C>T, p.Thr428= (NM_001033604.2, NM_001033605.2, NM_001348036.1 and 5 more transcripts); c.918C>T, p.Thr306= (NM_001348037.3, NM_001348044.3, NM_001348045.3 and 1 more transcripts); c.1011C>T, p.Thr337= (NM_001348038.3, NM_001348039.3); c.1149C>T, p.Thr383= (NM_001348042.3).
Identifiers: ClinVar variation 263116 (VCV000263116.19), dbSNP rs6964382, ClinGen allele CA4214248.
Genomic context (GRCh38, chr7:33,344,589, plus strand): 5'-CTGTGTAATATTGACATCATTCTTTCTTGCCTTCTCAATTCTGTGTTTACAGCAAGCGAC[C>T]GATGTTGAGGTGGGAACTGACCTTGTCCCTTCTGTCACGGTGAAGGTATTGTACCAGATT-3'
Protein context (NP_940820.1, residues 418-438): SPNFDSVSQA[Thr428=]DVEVGTDLVP